The following is an entry in ClinVar:

NM_152703.5(SAMD9L):c.2301A>T (p.Leu767Phe)

Gene: SAMD9L (sterile alpha motif domain containing 9 like; minus strand). Cytogenetic location: 7q21.2.
Variant type: single nucleotide variant.
Coding change: c.2301A>T on transcript NM_152703.5 (MANE Select); coding-DNA position 2301, A replaced by T.
Protein change: p.Leu767Phe; replaces leucine 767 with phenylalanine.
Molecular consequence: missense variant.
Genome position (GRCh38, 1-based): chr7:93,133,671, T>A on the plus strand (A>T on the coding strand, the complement: SAMD9L is on the minus strand). VCF-style: chr7-93133671-T-A. GRCh37 (hg19) VCF-style: chr7-92762984-T-A.
Other names: c.2301A>T, p.Leu767Phe (NM_001303496.3, NM_001303497.3, NM_001303498.3 and 5 more transcripts); short protein forms L767F.
Identifiers: ClinVar variation 4844828 (VCV004844828.1).

ClinVar aggregate classification (germline): Uncertain significance (1 of 4 stars; one submission).

Conditions:
Inborn genetic diseases. Identifiers: MedGen C0950123, MeSH D030342.

Submission:

Ambry Genetics
Classification: Uncertain significance for Inborn genetic diseases. Last evaluated: 2026-02-15. Review status: criteria provided, single submitter. Criteria: Ambry Variant Classification Scheme 2023. Collection method: clinical testing. Allele origin: germline.
Comment: The p.L767F variant (also known as c.2301A>T), located in coding exon 1 of the SAMD9L gene, results from an A to T substitution at nucleotide position 2301. The leucine at codon 767 is replaced by phenylalanine, an amino acid with highly similar properties. This amino acid position is conserved. In addition, the in silico prediction for this alteration is inconclusive. Based on the available evidence, the clinical significance of this variant remains unclear.